The following is an entry in ClinVar:

ClinVar aggregate classification (germline): Conflicting classifications of pathogenicity. Review status: criteria provided, conflicting classifications (1 of 4 stars). 4 submissions from 4 submitters: Uncertain significance (1); Likely benign (2). 1 of the submissions does not count toward it. Last evaluated 2025-11-06.

Conditions:
ABCB4-related disorder. Also called: ABCB4-related disorders; ABCB4-related condition.

Allele frequency attached by ClinVar (database versions not stated): gnomAD 0.00003; TOPMed 0.00003; 1000 Genomes Project 30x 0.00016; 1000 Genomes Project 0.00020.
gnomAD v4.1: 45 of 1,613,872 alleles (0.0028%); highest among the groups gnomAD compares: Admixed American, 0.02%; no homozygotes.

Submissions (4):

Labcorp Genetics (formerly Invitae), Labcorp
Classification: Likely benign. Last evaluated: 2025-11-06. Review status: criteria provided, single submitter. Criteria: Invitae Variant Classification Sherloc (09022015). Collection method: clinical testing. Allele origin: germline.

Eurofins Ntd Llc (ga)
Classification: Uncertain significance. Last evaluated: 2016-12-20. Review status: criteria provided, single submitter. Criteria: EGL Classification Definitions 2015. Collection method: clinical testing. Allele origin: germline. Observed: 1 variant allele, 1 heterozygote.

GeneDx
Classification: Likely benign. Last evaluated: 2016-05-12. Review status: criteria provided, single submitter. Criteria: GeneDx Variant Classification (06012015). Collection method: clinical testing. Allele origin: germline. Affected: yes.
Comment: This variant is considered likely benign or benign based on one or more of the following criteria: it is a conservative change, it occurs at a poorly conserved position in the protein, it is predicted to be benign by multiple in silico algorithms, and/or has population frequency not consistent with disease.

PreventionGenetics, part of Exact Sciences
Classification: Likely benign for ABCB4-related condition. Last evaluated: 2022-08-18. Review status: no assertion criteria provided. Collection method: clinical testing. Allele origin: germline. Not counted in ClinVar's aggregate classification.
Comment: This variant is classified as likely benign based on ACMG/AMP sequence variant interpretation guidelines (Richards et al. 2015 PMID: 25741868, with internal and published modifications).

NM_000443.4(ABCB4):c.525G>A (p.Thr175=)

Gene: ABCB4 (ATP binding cassette subfamily B member 4; minus strand). Cytogenetic location: 7q21.12.
Variant type: single nucleotide variant.
Coding change: c.525G>A on transcript NM_000443.4 (MANE Select); coding-DNA position 525, G replaced by A.
Protein change: p.Thr175=; no amino-acid change (threonine 175 retained).
Molecular consequence: synonymous variant.
Genome position (GRCh38, 1-based): chr7:87,452,955, C>T on the plus strand (G>A on the coding strand, the complement: ABCB4 is on the minus strand). VCF-style: chr7-87452955-C-T. GRCh37 (hg19) VCF-style: chr7-87082271-C-T.
Other names: c.525G>A, p.Thr175= (NM_018849.3, NM_018850.3).
Identifiers: ClinVar variation 385804 (VCV000385804.10), dbSNP rs558416191, ClinGen allele CA4327524.